The following is an entry in ClinVar:

NM_000465.4(BARD1):c.108C>T (p.His36=)

Gene: BARD1 (BRCA1 associated RING domain 1; minus strand). Cytogenetic location: 2q35.
Variant type: single nucleotide variant.
Coding change: c.108C>T on transcript NM_000465.4 (MANE Select); coding-DNA position 108, C replaced by T.
Protein change: p.His36=; no amino-acid change (histidine 36 retained).
Molecular consequence: synonymous variant. On other transcripts: non-coding transcript variant (3).
Genome position (GRCh38, 1-based): chr2:214,809,462, G>A on the plus strand (C>T on the coding strand, the complement: BARD1 is on the minus strand). VCF-style: chr2-214809462-G-A. GRCh37 (hg19) VCF-style: chr2-215674186-G-A.
Other names: c.108C>T, p.His36= (NM_001282543.2, NM_001282545.2, NM_001282548.2 and 1 more transcripts).
Identifiers: ClinVar variation 1788828 (VCV001788828.8), dbSNP rs1445402241, ClinGen allele CA350464995.

ClinVar aggregate classification (germline): Benign/Likely benign. Review status: criteria provided, multiple submitters, no conflicts (2 of 4 stars). 3 submissions from 3 submitters: Benign (1); Likely benign (2). Last evaluated 2024-09-04.

Conditions:
Hereditary cancer-predisposing syndrome. Also called: Hereditary Cancer Syndrome; Hereditary neoplastic syndrome; Tumor predisposition; Neoplastic Syndromes, Hereditary. Identifiers: Orphanet 140162, MedGen C0027672, MeSH D009386, MONDO:0015356.
Familial cancer of breast. Also called: BREAST CANCER, FAMILIAL; Hereditary breast cancer; hereditary breast carcinoma. Identifiers: Orphanet 227535, MedGen C0346153, MONDO:0016419, OMIM 114480. Disease mechanism: loss of function.

Allele frequency attached by ClinVar (database versions not stated): gnomAD 0.00001; TOPMed 0.00001.

Submissions (3):

Labcorp Genetics (formerly Invitae), Labcorp
Classification: Likely benign for Familial cancer of breast. Last evaluated: 2024-09-04. Review status: criteria provided, single submitter. Criteria: Invitae Variant Classification Sherloc (09022015). Collection method: clinical testing. Allele origin: germline.

Myriad Genetics, Inc.
Classification: Benign for Familial cancer of breast. Last evaluated: 2024-07-18. Review status: criteria provided, single submitter. Criteria: Myriad Autosomal Dominant, Autosomal Recessive and X-Linked Classification Criteria (2023). Collection method: clinical testing. Allele origin: unknown.
Comment: This variant is considered benign. This variant is a silent/synonymous amino acid change and it is not expected to impact splicing.

Ambry Genetics
Classification: Likely benign for Hereditary cancer-predisposing syndrome. Last evaluated: 2020-08-18. Review status: criteria provided, single submitter. Criteria: Ambry Variant Classification Scheme 2023. Collection method: clinical testing. Allele origin: germline.